The following is an entry in ClinVar:

ClinVar aggregate classification (germline): Uncertain significance (1 of 4 stars; one submission).

Conditions:
Cenani-Lenz syndactyly syndrome. Also called: SYNDACTYLY, TYPE VII; CENANI SYNDACTYLISM. Identifiers: Orphanet 3258, MedGen C1859309, MONDO:0008931, OMIM 212780.
Congenital myasthenic syndrome 17. Identifiers: Orphanet 590, MedGen C4225377, MONDO:0014578, OMIM 616304.
Sclerosteosis 2 (SOST2). Identifiers: Orphanet 3152, MedGen C3280402, MONDO:0013679, OMIM 614305.

Allele frequency attached by ClinVar (database versions not stated): TOPMed 0.00001.
gnomAD v4.1: 6 of 1,614,112 alleles (0.00037%); highest among the groups gnomAD compares: South Asian, 0.0011%; no homozygotes.

Submission:

Labcorp Genetics (formerly Invitae), Labcorp
Classification: Uncertain significance for Cenani-Lenz syndactyly syndrome; Sclerosteosis 2; Congenital myasthenic syndrome 17. Last evaluated: 2022-10-19. Review status: criteria provided, single submitter. Criteria: Invitae Variant Classification Sherloc (09022015). Collection method: clinical testing. Allele origin: germline.
Comment: This sequence change replaces arginine, which is basic and polar, with cysteine, which is neutral and slightly polar, at codon 678 of the LRP4 protein (p.Arg678Cys). This variant is not present in population databases (gnomAD no frequency). This variant has not been reported in the literature in individuals affected with LRP4-related conditions. Advanced modeling of protein sequence and biophysical properties (such as structural, functional, and spatial information, amino acid conservation, physicochemical variation, residue mobility, and thermodynamic stability) performed at Invitae indicates that this missense variant is not expected to disrupt LRP4 protein function. In summary, the available evidence is currently insufficient to determine the role of this variant in disease. Therefore, it has been classified as a Variant of Uncertain Significance.

NM_002334.4(LRP4):c.2032C>T (p.Arg678Cys)

Gene: LRP4 (LDL receptor related protein 4; minus strand). Cytogenetic location: 11p11.2.
Variant type: single nucleotide variant.
Coding change: c.2032C>T on transcript NM_002334.4 (MANE Select); coding-DNA position 2032, C replaced by T.
Protein change: p.Arg678Cys; replaces arginine 678 with cysteine.
Molecular consequence: missense variant.
Genome position (GRCh38, 1-based): chr11:46,890,004, G>A on the plus strand (C>T on the coding strand, the complement: LRP4 is on the minus strand). VCF-style: chr11-46890004-G-A. GRCh37 (hg19) VCF-style: chr11-46911555-G-A.
Other names: short protein forms R678C.
Identifiers: ClinVar variation 2195631 (VCV002195631.1), dbSNP rs1298385569, ClinGen allele CA380281849.